The following is an entry in ClinVar:

NM_013435.3(RAX):c.289+90T>G

Gene: RAX (retina and anterior neural fold homeobox; minus strand). Cytogenetic location: 18q21.32.
Variant type: single nucleotide variant.
Coding change: c.289+90T>G on transcript NM_013435.3 (MANE Select); 90 bases into the intron after coding-DNA position 289, T replaced by G.
Molecular consequence: intron variant.
Genome position (GRCh38, 1-based): chr18:59,272,828, A>C on the plus strand (T>G on the coding strand, the complement: RAX is on the minus strand). VCF-style: chr18-59272828-A-C. GRCh37 (hg19) VCF-style: chr18-56940060-A-C.
Identifiers: ClinVar variation 1706849 (VCV001706849.2), dbSNP rs553896136, ClinGen allele CA300985236.

ClinVar aggregate classification (germline): Likely benign (1 of 4 stars; one submission).

Allele frequency attached by ClinVar (database versions not stated): gnomAD exomes 0.00046; 1000 Genomes Project 0.00419; 1000 Genomes Project 30x 0.00437; gnomAD 0.00445.
gnomAD v4.1: 1,299 of 1,464,434 alleles (0.089%); highest among the groups gnomAD compares: African/African-American, 1.6%; 7 homozygotes.

Submission:

GeneDx
Classification: Likely benign. Last evaluated: 2021-01-05. Review status: criteria provided, single submitter. Criteria: GeneDx Variant Classification Process June 2021. Collection method: clinical testing. Allele origin: germline. Affected: yes.
Comment: See Variant Classification Assertion Criteria.